The following is an entry in ClinVar:

ClinVar aggregate classification (germline): Uncertain significance (1 of 4 stars; one submission).

Conditions:
Adenylosuccinate lyase deficiency (ADSLD). Also called: ADSL DEFICIENCY. Identifiers: Orphanet 46, MedGen C0268126, MONDO:0007068, OMIM 103050.

Submission:

Labcorp Genetics (formerly Invitae), Labcorp
Classification: Uncertain significance for Adenylosuccinate lyase deficiency. Last evaluated: 2025-12-02. Review status: criteria provided, single submitter. Criteria: Invitae Variant Classification Sherloc (09022015). Collection method: clinical testing. Allele origin: germline.
Comment: This sequence change replaces threonine, which is neutral and polar, with isoleucine, which is neutral and non-polar, at codon 94 of the ADSL protein (p.Thr94Ile). This variant is not present in population databases (gnomAD no frequency). This variant has not been reported in the literature in individuals affected with ADSL-related conditions. Invitae Evidence Modeling of protein sequence and biophysical properties (such as structural, functional, and spatial information, amino acid conservation, physicochemical variation, residue mobility, and thermodynamic stability) indicates that this missense variant is not expected to disrupt ADSL protein function with a negative predictive value of 80%. In summary, the available evidence is currently insufficient to determine the role of this variant in disease. Therefore, it has been classified as a Variant of Uncertain Significance.

NM_000026.4(ADSL):c.281C>T (p.Thr94Ile)

Gene: ADSL (adenylosuccinate lyase; plus strand). Cytogenetic location: 22q13.1.
Variant type: single nucleotide variant.
Coding change: c.281C>T on transcript NM_000026.4 (MANE Select); coding-DNA position 281, C replaced by T.
Protein change: p.Thr94Ile; replaces threonine 94 with isoleucine.
Molecular consequence: missense variant. On other transcripts: non-coding transcript variant (1).
Genome position (GRCh38, 1-based): chr22:40,349,959, C>T. VCF-style: chr22-40349959-C-T. GRCh37 (hg19) VCF-style: chr22-40745963-C-T.
Other names: c.281C>T, p.Thr94Ile (NM_001123378.3, NM_001363840.3, NM_001410812.1 and 2 more transcripts); c.89C>T, p.Thr30Ile (NM_001317923.2); short protein forms T94I, T30I.
Identifiers: ClinVar variation 4745522 (VCV004745522.1).